The following is an entry in ClinVar:

NM_001267550.2(TTN):c.43747+1G>T

Gene: TTN (titin; minus strand). Cytogenetic location: 2q31.2.
Variant type: single nucleotide variant.
Coding change: c.43747+1G>T on transcript NM_001267550.2 (MANE Select); the canonical splice donor site of the intron after coding-DNA position 43747, G replaced by T.
Molecular consequence: splice donor variant.
Genome position (GRCh38, 1-based): chr2:178,632,146, C>A on the plus strand (G>T on the coding strand, the complement: TTN is on the minus strand). VCF-style: chr2-178632146-C-A. GRCh37 (hg19) VCF-style: chr2-179496873-C-A.
Other names: c.16552+1G>T (NM_003319.4); c.17128+1G>T (NM_133437.4); c.16927+1G>T (NM_133432.3); c.36043+1G>T (NM_133378.4); c.38824+1G>T (NM_001256850.1).
Identifiers: ClinVar variation 202365 (VCV000202365.5), dbSNP rs751914344, ClinGen allele CA309210.

ClinVar aggregate classification (germline): Conflicting classifications of pathogenicity. Review status: criteria provided, conflicting classifications (1 of 4 stars). 3 submissions from 3 submitters: Likely pathogenic (2); Uncertain significance (1). Last evaluated 2025-12-23.

Conditions:
Dilated cardiomyopathy 1G (CMD1G). Identifiers: Orphanet 154, MedGen C1858763, MONDO:0011400, OMIM 604145.
Autosomal recessive limb-girdle muscular dystrophy type 2J (LGMDR10). Also called: MUSCULAR DYSTROPHY, LIMB-GIRDLE, AUTOSOMAL RECESSIVE 10; Limb-girdle muscular dystrophy, type 2J. Identifiers: Orphanet 140922, MedGen C1837342, MONDO:0012127, OMIM 608807.
Primary dilated cardiomyopathy (DCM). Also called: Dilated Cardiomyopathy. Identifiers: Orphanet 217604, MedGen C0007193, MeSH D002311, MONDO:0005021, HP:0001644. Inheritance: Various modes of inheritance.

Allele frequency attached by ClinVar (database versions not stated): gnomAD exomes 0.00001; ExAC 0.00002.
gnomAD v4.1: 3 of 1,587,618 alleles (0.00019%); highest among the groups gnomAD compares: Non-Finnish European, 0.00026%; no homozygotes.

Submissions (3):

Labcorp Genetics (formerly Invitae), Labcorp
Classification: Likely pathogenic for Dilated cardiomyopathy 1G; Autosomal recessive limb-girdle muscular dystrophy type 2J. Last evaluated: 2025-12-23. Review status: criteria provided, single submitter. Criteria: Invitae Variant Classification Sherloc (09022015). Collection method: clinical testing. Allele origin: germline.
Comment: This sequence change affects a donor splice site in intron 236 of the TTN gene. It is expected to disrupt RNA splicing and likely results in a truncated or disrupted TTN protein. The frequency data for this variant in the population databases is considered unreliable, as metrics indicate poor data quality at this position in the gnomAD database. This variant has not been reported in the literature in individuals affected with TTN-related conditions. ClinVar contains an entry for this variant (Variation ID: 202365). Algorithms developed to predict the effect of sequence changes on RNA splicing suggest that this variant may disrupt the consensus splice site. This variant is located in the I band of TTN (PMID: 25589632). Truncating variants in this region have been reported in individuals affected with autosomal recessive centronuclear myopathy (PMID: 23975875, internal data). Truncating variants in this region have also been identified in individuals affected with autosomal dominant dilated cardiomyopathy and/or cardio-related conditions (PMID: 27869827, 32964742, internal data). In summary, the currently available evidence indicates that the variant is pathogenic, but additional data are needed to prove that conclusively. Therefore, this variant has been classified as Likely Pathogenic.

Clinical Genetics Laboratory, Skane University Hospital Lund
Classification: Likely pathogenic for Primary dilated cardiomyopathy. Last evaluated: 2025-10-24. Review status: criteria provided, single submitter. Criteria: ACMG Guidelines, 2015. Collection method: clinical testing. Allele origin: germline. Affected: yes.
Comment: TTN (NM_001267550.2) c.43747+1G>T, p.? represents a heterozygous nucleotide substitution in intron 236 of 362, which is likely to lead to altered splicing and an in-frame deletion of exon 236 located in the I-band region of the protein. The variant TTN c.43747+1G>T has previously been observed at a low allele frequency in the general population (gnomAD) and is reported as a VUS (Variant of Uncertain Significance) in the ClinVar database (VCV000202365.4). The variant has been shown to segregate within a family with DCM (Dilated Cardiomyopathy) (internal data). The variant has been classified as likely pathogenic according to the following ACMG criteria: PVS1_Moderate, PM2, and PP1_Moderate.

GeneDx
Classification: Uncertain significance. Last evaluated: 2015-08-13. Review status: criteria provided, single submitter. Criteria: GeneDx Variant Classification (06012015). Collection method: clinical testing. Allele origin: germline. Affected: yes.
Comment: Although the c.38824+1 G>T mutation has not been reported as a disease-causing mutation or as a benign polymorphism to our knowledge, this mutation destroys the canonical splice donor site in intron 186 and is predicted to cause abnormal gene splicing. The mutation is predicted to lead to either an abnormal message that is subject to nonsense-mediated mRNA decay, or to an abnormal protein product if the message is used for protein translation. However, other truncating variants in the TTN gene have been reported in approximately 3% of reported control alleles (Herman et al., 2012). Furthermore, c.38824+1 G>T is not located in the A-band region of titin, where the majority of truncating mutations associated with DCM have been reported (Herman et al., 2012).Therefore, based on the currently available information, it is unclear whether this variant is a pathogenic mutation or a rare benign variant. The variant is found in CARDIOMYOPATHY panel(s).

Literature cited by the submitters: PubMed 25589632 (cited by Labcorp Genetics (formerly Invitae), Labcorp); PubMed 23975875 (cited by Labcorp Genetics (formerly Invitae), Labcorp); PubMed 27869827 (cited by Labcorp Genetics (formerly Invitae), Labcorp); PubMed 32964742 (cited by Labcorp Genetics (formerly Invitae), Labcorp).